The following is an entry in ClinVar:

ClinVar aggregate classification (germline): Conflicting classifications of pathogenicity. Review status: criteria provided, conflicting classifications (1 of 4 stars). 13 submissions from 13 submitters: Uncertain significance (5); Likely benign (6). 2 of the submissions do not count toward it. Last evaluated 2026-01-27.

Conditions:
PALB2-related disorder. Also called: PALB2-related disorders; PALB2-related condition.
Hereditary cancer-predisposing syndrome. Also called: Neoplastic Syndromes, Hereditary; Tumor predisposition; Hereditary Cancer Syndrome; Hereditary neoplastic syndrome. Identifiers: Orphanet 140162, MedGen C0027672, MeSH D009386, MONDO:0015356.
Familial cancer of breast. Also called: hereditary breast carcinoma; Hereditary breast cancer; BREAST CANCER, FAMILIAL. Identifiers: Orphanet 227535, MedGen C0346153, MONDO:0016419, OMIM 114480. Disease mechanism: loss of function.
Pancreatic cancer, susceptibility to, 3. Identifiers: Orphanet 1333, MedGen C3150547, MONDO:0013236, OMIM 613348.

Allele frequency attached by ClinVar (database versions not stated): gnomAD exomes 0.00001 and 0.00002; ExAC 0.00004; gnomAD 0.00007 and 0.00008; TOPMed 0.00008; ESP Exome Variant Server 0.00015.
gnomAD v4.1: 21 of 1,614,032 alleles (0.0013%); highest among the groups gnomAD compares: African/African-American, 0.024%; no homozygotes.

Submissions (13):

Labcorp Genetics (formerly Invitae), Labcorp
Classification: Likely benign for Familial cancer of breast. Last evaluated: 2026-01-27. Review status: criteria provided, single submitter. Criteria: Invitae Variant Classification Sherloc (09022015). Collection method: clinical testing. Allele origin: germline.

PreventionGenetics, part of Exact Sciences
Classification: Likely benign for PALB2-related condition. Last evaluated: 2025-11-07. Review status: criteria provided, single submitter. Criteria: ACMG Guidelines, 2015. Collection method: clinical testing. Allele origin: germline.
Comment: This variant is classified as likely benign based on ACMG/AMP sequence variant interpretation guidelines (Richards et al. 2015 PMID: 25741868, with internal and published modifications).

Women's Health and Genetics/Laboratory Corporation of America, LabCorp
Classification: Likely benign. Last evaluated: 2025-06-16. Review status: criteria provided, single submitter. Criteria: LabCorp Variant Classification Summary - May 2015. Collection method: clinical testing. Allele origin: germline.
Comment: Variant summary: PALB2 c.3056T>C (p.Val1019Ala) results in a non-conservative amino acid change located in the WD40 domain that binds to the N-terminus of BRCA2 (IPR031920) of the encoded protein sequence. Algorithms developed to predict the effect of missense changes on protein structure and function are either unavailable or do not agree on the potential impact of this missense change. The variant allele was found at a frequency of 1.3e-05 in 1614032 control chromosomes, predominantly at a frequency of 0.00024 within the African or African-American subpopulation in the gnomAD database. The observed variant frequency within African or African-American control individuals in the gnomAD database is approximately 1.54 fold of the estimated maximal expected allele frequency for a pathogenic variant in PALB2 causing Breast Cancer phenotype (0.00016). c.3056T>C has been observed in individual(s) affected with Breast Cancer (Zheng_2012, Lu_2015, Mandelker_2017), but without strong evidence for causality. These report(s) do not provide unequivocal conclusions about association of the variant with Breast Cancer. Co-occurrences with other pathogenic variant(s) have been reported (PALB2 c.1479delC, p.Thr494LeufsX67), providing supporting evidence for a benign role. To our knowledge, no experimental evidence demonstrating an impact on protein function has been reported. The following publications have been ascertained in the context of this evaluation (PMID: 21932393, 26689913, 28873162). ClinVar contains an entry for this variant (Variation ID: 126709). Based on the evidence outlined above, the variant was classified as likely benign.

GeneDx
Classification: Uncertain significance. Last evaluated: 2025-04-25. Review status: criteria provided, single submitter. Criteria: GeneDx Variant Classification Process June 2021. Collection method: clinical testing. Allele origin: germline. Affected: yes.
Comment: In silico analysis supports that this missense variant has a deleterious effect on protein structure/function; Published functional studies demonstrate homology-directed repair activity comparable to wildtype (PMID: 31636395); Observed in individuals with breast or ovarian cancer (PMID: 21932393, 26689913, 35264596); This variant is associated with the following publications: (PMID: 21285249, 21932393, 19609323, 26689913, 28873162, 20871615, 24485656, 35264596, 31636395)

Quest Diagnostics Nichols Institute San Juan Capistrano
Classification: Uncertain significance. Last evaluated: 2025-03-01. Review status: criteria provided, single submitter. Criteria: Quest Diagnostics criteria. Collection method: clinical testing. Allele origin: unknown.
Comment: The PALB2 c.3056T>C (p.Val1019Ala) variant has been reported in the published literature in individuals affected with breast cancer, ovarian cancer, and other undescribed cancers (PMIDs: 21932393 (2012), 26689913 (2015), 28873162 (2017), 32091409 (2020), 35258993 (2022), 35264596 (2022), 38874686 (2024)). One study reported loss of heterozygosity in a tumor, suggesting this variant may support a disease mechanism (PMID: 26689913 (2015)). However, this variant was also identified in a reportedly healthy individual (PMID: 21932393 (2012)). A functional study suggested that it is not damaging to the DNA repair function of the PALB2 protein (PMID: 31636395 (2020)). Another study identified this variant with a deleterious PALB2 variant in an affected individual, suggesting this variant may not be the primary cause of disease (PMID: 35258993 (2022)). The frequency of this variant in the general population (Genome Aggregation Database) is uninformative in the assessment of its pathogenicity. Based on the available information, we are unable to determine the clinical significance of this variant.

Color Diagnostics, LLC DBA Color Health
Classification: Likely benign for Hereditary cancer-predisposing syndrome. Last evaluated: 2023-12-13. Review status: criteria provided, single submitter. Criteria: ACMG Guidelines, 2015. Collection method: clinical testing. Allele origin: germline.

Department of Pathology and Laboratory Medicine, Sinai Health System
Classification: Uncertain significance for Pancreatic cancer, susceptibility to, 3. Last evaluated: 2023-10-23. Review status: criteria provided, single submitter. Criteria: ACMG Guidelines, 2015. Collection method: clinical testing. Allele origin: germline. Affected: yes.

Myriad Genetics, Inc.
Classification: Likely benign for Familial cancer of breast. Last evaluated: 2023-03-31. Review status: criteria provided, single submitter. Criteria: Myriad Autosomal Dominant, Autosomal Recessive and X-Linked Classification Criteria (2023). Collection method: clinical testing. Allele origin: unknown.
Comment: This variant is considered likely benign. This variant is strongly associated with less severe personal and family histories of cancer, typical for individuals without pathogenic variants in this gene [PMID: 25085752].

Genetic Services Laboratory, University of Chicago
Classification: Uncertain significance. Last evaluated: 2023-01-23. Review status: criteria provided, single submitter. Criteria: ACMG Guidelines, 2015. Collection method: clinical testing. Allele origin: germline. Affected: no.
Comment: DNA sequence analysis of the PALB2 gene demonstrated a sequence change, c.3056T>C, in exon 10 that results in an amino acid change, p.Val1019Ala. This sequence change has been described in the gnomAD database with a frequency of 0.024% in the African subpopulation (dbSNP rs376619846). The p.Val1019Ala change affects a highly conserved amino acid residue located in a domain of the PALB2 protein that is known to be functional. In-silico pathogenicity prediction tools (SIFT, PolyPhen2, Align GVGD, REVEL) provide contradictory results for the p.Val1019Ala substitution. This sequence change has been identified in individuals with breast cancer (PMID: 21932393). Functional studies have suggested this sequence change has no effect on homology directed DNA repair activity (PMID: 31636395). Due to insufficient evidence, the clinical significance of the p.Val1019Ala change remains unknown at this time.

Ambry Genetics
Classification: Likely benign for Hereditary cancer-predisposing syndrome. Last evaluated: 2020-01-28. Review status: criteria provided, single submitter. Criteria: Ambry Variant Classification Scheme 2023. Collection method: clinical testing. Allele origin: germline.

Mendelics
Classification: Uncertain significance for Hereditary cancer-predisposing syndrome. Last evaluated: 2018-07-02. Review status: criteria provided, single submitter. Criteria: Mendelics Assertion Criteria 2017. Collection method: clinical testing. Allele origin: unknown.

Leiden Open Variation Database
Classification: Uncertain significance for Familial cancer of breast. Last evaluated: 2019-05-13. Review status: no assertion criteria provided. Collection method: curation. Allele origin: germline. Affected: yes. Not counted in ClinVar's aggregate classification.
Comment: Curators: Marc Tischkowitz, Arleen D. Auerbach. Submitter to LOVD: Marc Tischkowitz.

Counsyl
Classification: Uncertain significance for Familial cancer of breast. Last evaluated: 2016-06-01. Review status: no assertion criteria provided. Collection method: clinical testing. Allele origin: unknown. Not counted in ClinVar's aggregate classification.

Literature cited by the submitters: PubMed 21932393 (cited by 6 submitters); PubMed 26689913 (cited by 5 submitters); PubMed 28873162 (cited by 3 submitters); PubMed 31636395 (cited by Quest Diagnostics Nichols Institute San Juan Capistrano and Ambry Genetics); PubMed 32091409 (cited by Quest Diagnostics Nichols Institute San Juan Capistrano); PubMed 32832836 (cited by Quest Diagnostics Nichols Institute San Juan Capistrano); PubMed 33195396 (cited by Quest Diagnostics Nichols Institute San Juan Capistrano); PubMed 35258993 (cited by Quest Diagnostics Nichols Institute San Juan Capistrano); PubMed 38874686 (cited by Quest Diagnostics Nichols Institute San Juan Capistrano); PubMed 39427061 (cited by Quest Diagnostics Nichols Institute San Juan Capistrano); PubMed 35264596 (cited by Quest Diagnostics Nichols Institute San Juan Capistrano); PubMed 25085752 (cited by Myriad Genetics, Inc.).

NM_024675.4(PALB2):c.3056T>C (p.Val1019Ala)

Gene: PALB2 (partner and localizer of BRCA2; minus strand). Cytogenetic location: 16p12.2.
Variant type: single nucleotide variant.
Coding change: c.3056T>C on transcript NM_024675.4 (MANE Select); coding-DNA position 3056, T replaced by C.
Protein change: p.Val1019Ala; replaces valine 1019 with alanine.
Molecular consequence: missense variant.
Genome position (GRCh38, 1-based): chr16:23,621,419, A>G on the plus strand (T>C on the coding strand, the complement: PALB2 is on the minus strand). VCF-style: chr16-23621419-A-G. GRCh37 (hg19) VCF-style: chr16-23632740-A-G.
Other names: short protein forms V1019A.
Identifiers: ClinVar variation 126709 (VCV000126709.45), dbSNP rs376619846, ClinGen allele CA168345.
Genomic context (GRCh38, chr16:23,621,419, plus strand): 5'-TACCAAATAACAATGTTGTTCATAATAGTAGTACCAAGCAGAGCTTCTTGCATCCCTTGG[A>G]CCTCAGCAAAAGTTAGTATAGTCTCCTCAGGGGGCATCAAAAATTGGTTTTCTTTGCCTC-3'
Protein context (NP_078951.2, residues 1009-1029): PEETILTFAE[Val1019Ala]QGMQEALLGT